The following is an entry in ClinVar:

NM_000539.3(RHO):c.489G>A (p.Met163Ile)

Gene: RHO (rhodopsin; plus strand). Cytogenetic location: 3q22.1.
Variant type: single nucleotide variant.
Coding change: c.489G>A on transcript NM_000539.3 (MANE Select); coding-DNA position 489, G replaced by A.
Protein change: p.Met163Ile; replaces methionine 163 with isoleucine.
Molecular consequence: missense variant.
Genome position (GRCh38, 1-based): chr3:129,531,003, G>A. VCF-style: chr3-129531003-G-A. GRCh37 (hg19) VCF-style: chr3-129249846-G-A.
Other names: short protein forms M163I.
Identifiers: ClinVar variation 2628035 (VCV002628035.2), dbSNP rs556019320, ClinGen allele CA2607172.

ClinVar aggregate classification (germline): Likely pathogenic (1 of 4 stars; one submission).

Conditions:
Retinitis pigmentosa 4 (RP4). Also called: RETINITIS PIGMENTOSA, RHODOPSIN-RELATED. Identifiers: Orphanet 791, MedGen C3151001, MONDO:0013395, OMIM 613731.

Allele frequency attached by ClinVar (database versions not stated): TOPMed below 0.00001; gnomAD 0.00001; gnomAD exomes 0.00001; ExAC 0.00002; 1000 Genomes Project 30x 0.00016; 1000 Genomes Project 0.00020.

Submission:

DBGen Ocular Genomics
Classification: Likely pathogenic for Retinitis pigmentosa 4. Last evaluated: 2021-01-01. Review status: criteria provided, single submitter. Criteria: ACMG Guidelines, 2015. Collection method: clinical testing. Allele origin: unknown. Inheritance: Autosomal dominant inheritance. Affected: yes.
Comment: Class 4 ACMG Guidelines, 2015 (PMID:25741868)